The following is an entry in ClinVar:

NM_002830.4(PTPN4):c.1347_1355+6del

Gene: PTPN4 (protein tyrosine phosphatase non-receptor type 4; plus strand). Cytogenetic location: 2q14.2.
Variant type: Deletion.
Coding change: c.1347_1355+6del on transcript NM_002830.4 (MANE Select); coding-DNA position 1347 through 6 bases into the intron after coding-DNA position 1355, 15 bases deleted (ATCATCACCGTAAGA).
Molecular consequence: splice donor variant.
Genome position (GRCh38, 1-based): chr2:119,934,950-119,934,964, ATCATCACCGTAAGA deleted; deleting any 15 consecutive bases within chr2:119,934,948-119,934,964 gives the same sequence; the c. name uses the placement nearest the transcript's 3' end. VCF-style (leftmost placement, unchanged base first): chr2-119934947-GGAATCATCACCGTAA-G. GRCh37 (hg19) VCF-style: chr2-120692523-GGAATCATCACCGTAA-G.
Identifiers: ClinVar variation 3235841 (VCV003235841.1), dbSNP rs2467061035, ClinGen allele CA2825000993.
Genomic context (GRCh38, chr2:119,934,947, plus strand): 5'-AAGCGAAGTGTTTGTAAATCAGAGATCTCCGTCATCAACACAAGCTAATAGCATTGTTCT[GGAATCATCACCGTAA>G]GAGCTTTTTTATTTTGCTTCCTCTGTATTTTCAAATGCCCCAAATTGCTTTACTTAAAAT-3'

ClinVar aggregate classification (germline): Uncertain significance (1 of 4 stars; one submission).

Submission:

Greenwood Genetic Center Diagnostic Laboratories, Greenwood Genetic Center
Classification: Uncertain significance. Last evaluated: 2024-01-19. Review status: criteria provided, single submitter. Criteria: ACMG Guidelines, 2015. Collection method: clinical testing. Allele origin: germline. Affected: yes.
Comment: PM2